The following is an entry in ClinVar:

NM_030962.4(SBF2):c.*1413A>G

Genes: SBF2-AS1 (SBF2 antisense RNA 1; plus strand), SBF2 (SET binding factor 2; minus strand). Cytogenetic location: 11p15.4.
Variant type: single nucleotide variant.
Coding change: c.*1413A>G on transcript NM_030962.4 (MANE Select); 1413 bases downstream of the stop codon, A replaced by G.
Molecular consequence: 3 prime UTR variant.
Genome position (GRCh38, 1-based): chr11:9,779,005, T>C on the plus strand (A>G on the coding strand, the complement: SBF2 is on the minus strand). VCF-style: chr11-9779005-T-C. GRCh37 (hg19) VCF-style: chr11-9800552-T-C.
Other names: NC_000011.9:g.9800552T>C; c.*1413A>G (NM_001386339.1, NM_001386342.1).
Identifiers: ClinVar variation 306555 (VCV000306555.6), dbSNP rs59613534, ClinGen allele CA10639761.
Genomic context (GRCh38, chr11:9,779,005, plus strand): 5'-TTATTTCATATACAAAGAAAAATACAAATAATGTGCAAAAACCATTTTCACAGGTGGCAA[T>C]TTATAAAATGGAAATGATAGAAAAGTCCTTCATTCTTAATTATCCCCAGATTTCTTATAT-3'

ClinVar aggregate classification (germline): Benign (1 of 4 stars; one submission).

Conditions:
Charcot-Marie-Tooth disease type 4B2. Also called: Charcot-Marie-Tooth Neuropathy Type 4B2; CHARCOT-MARIE-TOOTH DISEASE, WITH FOCALLY FOLDED MYELIN SHEATHS, AUTOSOMAL RECESSIVE, TYPE 4B2; CMT 4B2; CHARCOT-MARIE-TOOTH DISEASE, DEMYELINATING, TYPE 4B2. Identifiers: Orphanet 99956, MedGen C1858278, MONDO:0011475, OMIM 604563.

Allele frequency attached by ClinVar (database versions not stated): gnomAD 0.01418 and 0.01502; TOPMed 0.01639; 1000 Genomes Project 0.01657; 1000 Genomes Project 30x 0.01733.

Submissions (2):

Illumina Laboratory Services, Illumina
Classification: Benign for Charcot-Marie-Tooth disease type 4B2. Last evaluated: 2018-01-12. Review status: criteria provided, single submitter. Criteria: ICSL Variant Classification Criteria 13 December 2019. Collection method: clinical testing. Allele origin: germline.
Comment: This variant was observed in the ICSL laboratory as part of a predisposition screen in an ostensibly healthy population. It had not been previously curated by ICSL or reported in the Human Gene Mutation Database (HGMD: prior to June 1st, 2018), and was therefore a candidate for classification through an automated scoring system. Utilizing variant allele frequency, disease prevalence and penetrance estimates, and inheritance mode, an automated score was calculated to assess if this variant is too frequent to cause the disease. Based on the score and internal cut-off values, a variant classified as benign is not then subjected to further curation. The score for this variant resulted in a classification of benign for this disease.

Dr. Peter K. Rogan Lab, Western University
No classification provided (evidence only). Condition: Uterine corpus endometrial carcinoma. Review status: no classification provided. Collection method: in vitro. Allele origin: not applicable. Functional consequence: retained intron. Not counted in ClinVar's aggregate classification.